The following is an entry in ClinVar:

ClinVar aggregate classification (germline): Benign/Likely benign. Review status: criteria provided, multiple submitters, no conflicts (2 of 4 stars). 7 submissions from 7 submitters: Benign (2); Likely benign (4). 1 of the submissions does not count toward it. Last evaluated 2025-07-01.

Conditions:
NOTCH3-related disorder. Also called: NOTCH3-related condition; NOTCH3-related disorders.

Allele frequency attached by ClinVar (database versions not stated): ExAC 0.00046; 1000 Genomes Project 30x 0.00078; 1000 Genomes Project 0.00080; ESP Exome Variant Server 0.00131; gnomAD 0.00145 and 0.00158; TOPMed 0.00177; gnomAD exomes 0.00014 and 0.00038.
gnomAD v4.1: 434 of 1,609,852 alleles (0.027%); highest among the groups gnomAD compares: African/African-American, 0.52%; 2 homozygotes.

Submissions (7):

Labcorp Genetics (formerly Invitae), Labcorp
Classification: Benign. Last evaluated: 2025-07-01. Review status: criteria provided, single submitter. Criteria: Invitae Variant Classification Sherloc (09022015). Collection method: clinical testing. Allele origin: germline.

ARUP Laboratories, Molecular Genetics and Genomics, ARUP Laboratories
Classification: Likely benign. Last evaluated: 2025-05-21. Review status: criteria provided, single submitter. Criteria: ARUP Molecular Germline Variant Investigation Process 2024. Collection method: clinical testing. Allele origin: germline.

Mayo Clinic Laboratories, Mayo Clinic
Classification: Likely benign. Last evaluated: 2025-03-05. Review status: criteria provided, single submitter. Criteria: ACMG Guidelines, 2015. Collection method: clinical testing. Allele origin: germline. Observed: 6 variant alleles.
Comment: BS1

Blueprint Genetics
Classification: Likely benign. Last evaluated: 2024-11-18. Review status: criteria provided, single submitter. Criteria: ACMG Guidelines, 2015. Collection method: clinical testing. Allele origin: germline.

CeGaT Center for Human Genetics Tuebingen
Classification: Likely benign. Last evaluated: 2022-12-01. Review status: criteria provided, single submitter. Criteria: CeGaT Center For Human Genetics Tuebingen Variant Classification Criteria Version 2. Collection method: clinical testing. Allele origin: germline. Affected: yes. Observed: 1 variant allele.
Comment: NOTCH3: PP2, BS1

Athena Diagnostics
Classification: Benign. Last evaluated: 2019-01-18. Review status: criteria provided, single submitter. Criteria: Athena Diagnostics Criteria. Collection method: clinical testing. Allele origin: germline.

PreventionGenetics, part of Exact Sciences
Classification: Likely benign for NOTCH3-related condition. Last evaluated: 2020-02-14. Review status: no assertion criteria provided. Collection method: clinical testing. Allele origin: germline. Not counted in ClinVar's aggregate classification.
Comment: This variant is classified as likely benign based on ACMG/AMP sequence variant interpretation guidelines (Richards et al. 2015 PMID: 25741868, with internal and published modifications).

NM_000435.3(NOTCH3):c.3314G>C (p.Gly1105Ala)

Gene: NOTCH3 (notch receptor 3; minus strand). Cytogenetic location: 19p13.12.
Variant type: single nucleotide variant.
Coding change: c.3314G>C on transcript NM_000435.3 (MANE Select); coding-DNA position 3314, G replaced by C.
Protein change: p.Gly1105Ala; replaces glycine 1105 with alanine.
Molecular consequence: missense variant.
Genome position (GRCh38, 1-based): chr19:15,180,085, C>G on the plus strand (G>C on the coding strand, the complement: NOTCH3 is on the minus strand). VCF-style: chr19-15180085-C-G. GRCh37 (hg19) VCF-style: chr19-15290896-C-G.
Other names: p.Gly1105Ala; short protein forms G1105A.
Identifiers: ClinVar variation 702577 (VCV000702577.46), dbSNP rs143764521, ClinGen allele CA9263133.